The following is an entry in ClinVar:

ClinVar aggregate classification (germline): Uncertain significance (0 of 4 stars; one submission).

Conditions:
SIM1-related disorder. Also called: SIM1-related condition; SIM1-related disorders.

gnomAD v4.1: 7 of 1,606,564 alleles (0.00044%); highest among the groups gnomAD compares: African/African-American, 0.004%; no homozygotes.

Submission:

PreventionGenetics, part of Exact Sciences
Classification: Uncertain significance for SIM1-related condition. Last evaluated: 2024-06-22. Review status: no assertion criteria provided. Collection method: clinical testing. Allele origin: germline.
Comment: The SIM1 c.1501G>C variant is predicted to result in the amino acid substitution p.Ala501Pro. To our knowledge, this variant has not been reported in the literature. This variant is reported in 0.0062% of alleles in individuals of African descent in gnomAD. At this time, the clinical significance of this variant is uncertain due to the absence of conclusive functional and genetic evidence.

NM_005068.3(SIM1):c.1501G>C (p.Ala501Pro)

Genes: SIM1 (SIM bHLH transcription factor 1; minus strand), SIM1-AS1 (SIM1 antisense RNA 1; plus strand). Cytogenetic location: 6q16.3.
Variant type: single nucleotide variant.
Coding change: c.1501G>C on transcript NM_005068.3 (MANE Select); coding-DNA position 1501, G replaced by C.
Protein change: p.Ala501Pro; replaces alanine 501 with proline.
Molecular consequence: missense variant. On other transcripts: non-coding transcript variant (1).
Genome position (GRCh38, 1-based): chr6:100,393,556, C>G on the plus strand (G>C on the coding strand, the complement: SIM1 is on the minus strand). VCF-style: chr6-100393556-C-G. GRCh37 (hg19) VCF-style: chr6-100841432-C-G.
Other names: c.1501G>C, p.Ala501Pro (NM_001374769.1); short protein forms A501P.
Identifiers: ClinVar variation 3349764 (VCV003349764.1).